The following is an entry in ClinVar:

ClinVar aggregate classification (germline): Uncertain significance (0 of 4 stars; one submission).

Conditions:
CEP164-related disorder. Also called: CEP164-related condition.

gnomAD v4.1: 1 of 1,614,118 alleles (0.000062%); highest among the groups gnomAD compares: East Asian, 0.0022%; no homozygotes.

Submission:

PreventionGenetics, part of Exact Sciences
Classification: Uncertain significance for CEP164-related condition. Last evaluated: 2024-07-29. Review status: no assertion criteria provided. Collection method: clinical testing. Allele origin: germline.
Comment: The CEP164 c.2382G>T variant is predicted to result in the amino acid substitution p.Lys794Asn. To our knowledge, this variant has not been reported in the literature. This variant is reported in 0.0054% of alleles in individuals of East Asian descent in gnomAD. At this time, the clinical significance of this variant is uncertain due to the absence of conclusive functional and genetic evidence.

NM_014956.5(CEP164):c.2382G>T (p.Lys794Asn)

Gene: CEP164 (centrosomal protein 164; plus strand). Cytogenetic location: 11q23.3.
Variant type: single nucleotide variant.
Coding change: c.2382G>T on transcript NM_014956.5 (MANE Select); coding-DNA position 2382, G replaced by T.
Protein change: p.Lys794Asn; replaces lysine 794 with asparagine.
Molecular consequence: missense variant.
Genome position (GRCh38, 1-based): chr11:117,392,516, G>T. VCF-style: chr11-117392516-G-T. GRCh37 (hg19) VCF-style: chr11-117263232-G-T.
Other names: c.2391G>T, p.Lys797Asn (NM_001271933.2); short protein forms K794N, K797N.
Identifiers: ClinVar variation 3345114 (VCV003345114.1).